The following is an entry in ClinVar:

ClinVar aggregate classification (germline): Benign/Likely benign. Review status: criteria provided, multiple submitters, no conflicts (2 of 4 stars). 3 submissions from 3 submitters: Benign (1); Likely benign (2). Last evaluated 2025-02-03.

Conditions:
Oligodontia-cancer predisposition syndrome. Also called: TOOTH AGENESIS-COLORECTAL CANCER SYNDROME. Identifiers: Orphanet 300576, MedGen C1837750, MONDO:0012075, OMIM 608615. Disease mechanism: loss of function.
Hereditary cancer-predisposing syndrome. Also called: Hereditary neoplastic syndrome; Tumor predisposition; Hereditary Cancer Syndrome; Neoplastic Syndromes, Hereditary. Identifiers: Orphanet 140162, MedGen C0027672, MeSH D009386, MONDO:0015356.

Allele frequency attached by ClinVar (database versions not stated): gnomAD 0.00001; 1000 Genomes Project 30x 0.00016; 1000 Genomes Project 0.00020.

Submissions (3):

Labcorp Genetics (formerly Invitae), Labcorp
Classification: Likely benign for Oligodontia-cancer predisposition syndrome. Last evaluated: 2025-02-03. Review status: criteria provided, single submitter. Criteria: Invitae Variant Classification Sherloc (09022015). Collection method: clinical testing. Allele origin: germline.

Ambry Genetics
Classification: Likely benign for Hereditary cancer-predisposing syndrome. Last evaluated: 2024-09-26. Review status: criteria provided, single submitter. Criteria: Ambry Variant Classification Scheme 2023. Collection method: clinical testing. Allele origin: germline.

Myriad Genetics, Inc.
Classification: Benign for Oligodontia-cancer predisposition syndrome. Last evaluated: 2024-06-27. Review status: criteria provided, single submitter. Criteria: Myriad Autosomal Dominant, Autosomal Recessive and X-Linked Classification Criteria (2023). Collection method: clinical testing. Allele origin: unknown.
Comment: This variant is considered benign. This variant is a silent/synonymous amino acid change and it is not expected to impact splicing.

NM_004655.4(AXIN2):c.603G>A (p.Arg201=)

Gene: AXIN2 (axin 2; minus strand). Cytogenetic location: 17q24.1.
Variant type: single nucleotide variant.
Coding change: c.603G>A on transcript NM_004655.4 (MANE Select); coding-DNA position 603, G replaced by A.
Protein change: p.Arg201=; no amino-acid change (arginine 201 retained).
Molecular consequence: synonymous variant.
Genome position (GRCh38, 1-based): chr17:65,558,018, C>T on the plus strand (G>A on the coding strand, the complement: AXIN2 is on the minus strand). VCF-style: chr17-65558018-C-T. GRCh37 (hg19) VCF-style: chr17-63554136-C-T.
Other names: c.603G>A, p.Arg201= (NM_001363813.1).
Identifiers: ClinVar variation 733456 (VCV000733456.10), dbSNP rs200479426, ClinGen allele CA293107154.